The following is an entry in ClinVar:

NM_152703.5(SAMD9L):c.1718G>A (p.Gly573Glu)

Gene: SAMD9L (sterile alpha motif domain containing 9 like; minus strand). Cytogenetic location: 7q21.2.
Variant type: single nucleotide variant.
Coding change: c.1718G>A on transcript NM_152703.5 (MANE Select); coding-DNA position 1718, G replaced by A.
Protein change: p.Gly573Glu; replaces glycine 573 with glutamic acid.
Molecular consequence: missense variant.
Genome position (GRCh38, 1-based): chr7:93,134,254, C>T on the plus strand (G>A on the coding strand, the complement: SAMD9L is on the minus strand). VCF-style: chr7-93134254-C-T. GRCh37 (hg19) VCF-style: chr7-92763567-C-T.
Other names: c.1718G>A, p.Gly573Glu (NM_001303496.3, NM_001303497.3, NM_001303498.3 and 5 more transcripts); short protein forms G573E.
Identifiers: ClinVar variation 4159412 (VCV004159412.1).

ClinVar aggregate classification (germline): Uncertain significance (1 of 4 stars; one submission).

Conditions:
Inborn genetic diseases. Identifiers: MedGen C0950123, MeSH D030342.

Submission:

Ambry Genetics
Classification: Uncertain significance for Inborn genetic diseases. Last evaluated: 2025-08-20. Review status: criteria provided, single submitter. Criteria: Ambry Variant Classification Scheme 2023. Collection method: clinical testing. Allele origin: germline.
Comment: The p.G573E variant (also known as c.1718G>A), located in coding exon 1 of the SAMD9L gene, results from a G to A substitution at nucleotide position 1718. The glycine at codon 573 is replaced by glutamic acid, an amino acid with similar properties. This amino acid position is conserved. In addition, this alteration is predicted to be tolerated by in silico analysis. Based on the available evidence, the clinical significance of this variant remains unclear.